The following is an entry in ClinVar:

ClinVar aggregate classification (germline): Uncertain significance (1 of 4 stars; one submission).

Allele frequency attached by ClinVar (database versions not stated): gnomAD 0.00001; TOPMed 0.00001.

Submission:

GeneDx
Classification: Uncertain significance. Last evaluated: 2019-09-06. Review status: criteria provided, single submitter. Criteria: GeneDx Variant Classification Process June 2021. Collection method: clinical testing. Allele origin: germline. Affected: yes.
Comment: In silico analysis, which includes protein predictors and evolutionary conservation, supports that this variant does not alter protein structure/function; Has not been previously published as pathogenic or benign to our knowledge

NM_015335.5(MED13L):c.2704A>G (p.Met902Val)

Gene: MED13L (mediator complex subunit 13L; minus strand). Cytogenetic location: 12q24.21.
Variant type: single nucleotide variant.
Coding change: c.2704A>G on transcript NM_015335.5 (MANE Select); coding-DNA position 2704, A replaced by G.
Protein change: p.Met902Val; replaces methionine 902 with valine.
Molecular consequence: missense variant.
Genome position (GRCh38, 1-based): chr12:115,997,096, T>C on the plus strand (A>G on the coding strand, the complement: MED13L is on the minus strand). VCF-style: chr12-115997096-T-C. GRCh37 (hg19) VCF-style: chr12-116434901-T-C.
Other names: short protein forms M902V.
Identifiers: ClinVar variation 1311538 (VCV001311538.2), dbSNP rs1468213991, ClinGen allele CA386890612.